The following is an entry in ClinVar:

ClinVar aggregate classification (germline): Pathogenic (1 of 4 stars; one submission).

Conditions:
Ehlers-Danlos syndrome, type 4 (EDSVASC). Also called: Ehlers-Danlos syndrome vascular type; Ehlers Danlos syndrome, ecchymotic type; Ehlers Danlos syndrome, arterial type; Ehlers Danlos syndrome, Sack-Barabas type; Ehlers-Danlos Syndrome Type IV. Identifiers: Orphanet 286, MedGen C0268338, MONDO:0017314, OMIM 130050.

Submission:

Labcorp Genetics (formerly Invitae), Labcorp
Classification: Pathogenic for Ehlers-Danlos syndrome, type 4. Last evaluated: 2023-09-12. Review status: criteria provided, single submitter. Criteria: Invitae Variant Classification Sherloc (09022015). Collection method: clinical testing. Allele origin: germline.
Comment: This sequence change replaces glycine, which is neutral and non-polar, with valine, which is neutral and non-polar, at codon 1095 of the COL3A1 protein (p.Gly1095Val). This variant is not present in population databases (gnomAD no frequency). This missense change has been observed in individual(s) with clinical features of vascular Ehlers-Danlos syndrome (Invitae). In at least one individual the variant was observed to be de novo. ClinVar contains an entry for this variant (Variation ID: 1467681). Advanced modeling of protein sequence and biophysical properties (such as structural, functional, and spatial information, amino acid conservation, physicochemical variation, residue mobility, and thermodynamic stability) performed at Invitae indicates that this missense variant is expected to disrupt COL3A1 protein function. This variant disrupts the triple helix domain of COL3A1. Glycine residues within the Gly-Xaa-Yaa repeats of the triple helix domain are required for the structure and stability of fibrillar collagens (PMID: 7695699, 8218237, 19344236). In COL3A1, variants that affect these glycine residues are significantly enriched in individuals with disease (PMID: 24922459, 25758994) compared to the general population (ExAC). For these reasons, this variant has been classified as Pathogenic.

Literature cited by the submitters: PubMed 7695699; PubMed 8218237; PubMed 19344236; PubMed 24922459; PubMed 25758994.

NM_000090.4(COL3A1):c.3284G>T (p.Gly1095Val)

Gene: COL3A1 (collagen type III alpha 1 chain; plus strand). Cytogenetic location: 2q32.2.
Variant type: single nucleotide variant.
Coding change: c.3284G>T on transcript NM_000090.4 (MANE Select); coding-DNA position 3284, G replaced by T.
Protein change: p.Gly1095Val; replaces glycine 1095 with valine.
Molecular consequence: missense variant.
Genome position (GRCh38, 1-based): chr2:189,007,528, G>T. VCF-style: chr2-189007528-G-T. GRCh37 (hg19) VCF-style: chr2-189872254-G-T.
Other names: short protein forms G1095V.
Identifiers: ClinVar variation 1467681 (VCV001467681.6), dbSNP rs587779610, ClinGen allele CA349845648.